The following is an entry in ClinVar:

NM_001013838.3(CARMIL2):c.4138C>T (p.Arg1380Cys)

Gene: CARMIL2 (capping protein regulator and myosin 1 linker 2; plus strand). Cytogenetic location: 16q22.1.
Variant type: single nucleotide variant.
Coding change: c.4138C>T on transcript NM_001013838.3 (MANE Select); coding-DNA position 4138, C replaced by T.
Protein change: p.Arg1380Cys; replaces arginine 1380 with cysteine.
Molecular consequence: missense variant.
Genome position (GRCh38, 1-based): chr16:67,657,259, C>T. VCF-style: chr16-67657259-C-T. GRCh37 (hg19) VCF-style: chr16-67691162-C-T.
Other names: c.3949C>T, p.Arg1317Cys (NM_001317026.3); short protein forms R1317C, R1380C.
Identifiers: ClinVar variation 1429546 (VCV001429546.6), dbSNP rs981839922, ClinGen allele CA283214588.

ClinVar aggregate classification (germline): Uncertain significance. Review status: criteria provided, multiple submitters, no conflicts (2 of 4 stars). 2 submissions from 2 submitters: Uncertain significance (2). Last evaluated 2024-09-14.

Allele frequency attached by ClinVar (database versions not stated): gnomAD 0.00001; gnomAD exomes 0.00001 and 0.00004; TOPMed 0.00002.
gnomAD v4.1: 65 of 1,613,580 alleles (0.004%); highest among the groups gnomAD compares: Non-Finnish European, 0.0052%; no homozygotes.

Submissions (2):

Blueprint Genetics
Classification: Uncertain significance. Last evaluated: 2024-09-14. Review status: criteria provided, single submitter. Criteria: ACMG Guidelines, 2015. Collection method: clinical testing. Allele origin: germline.

Labcorp Genetics (formerly Invitae), Labcorp
Classification: Uncertain significance. Last evaluated: 2022-06-02. Review status: criteria provided, single submitter. Criteria: Invitae Variant Classification Sherloc (09022015). Collection method: clinical testing. Allele origin: germline.
Comment: This sequence change replaces arginine, which is basic and polar, with cysteine, which is neutral and slightly polar, at codon 1380 of the CARMIL2 protein (p.Arg1380Cys). The frequency data for this variant in the population databases is considered unreliable, as metrics indicate poor data quality at this position in the gnomAD database. This variant has not been reported in the literature in individuals affected with CARMIL2-related conditions. ClinVar contains an entry for this variant (Variation ID: 1429546). Algorithms developed to predict the effect of missense changes on protein structure and function are either unavailable or do not agree on the potential impact of this missense change (SIFT: "Deleterious"; PolyPhen-2: "Probably Damaging"; Align-GVGD: "Class C0"). In summary, the available evidence is currently insufficient to determine the role of this variant in disease. Therefore, it has been classified as a Variant of Uncertain Significance.